The following is an entry in ClinVar:

NM_001267550.2(TTN):c.61670A>G (p.His20557Arg)

Genes: TTN (titin; minus strand), TTN-AS1 (TTN antisense RNA 1; plus strand). Cytogenetic location: 2q31.2.
Variant type: single nucleotide variant.
Coding change: c.61670A>G on transcript NM_001267550.2 (MANE Select); coding-DNA position 61670, A replaced by G.
Protein change: p.His20557Arg; replaces histidine 20557 with arginine.
Molecular consequence: missense variant.
Genome position (GRCh38, 1-based): chr2:178,590,055, T>C on the plus strand (A>G on the coding strand, the complement: TTN is on the minus strand). VCF-style: chr2-178590055-T-C. GRCh37 (hg19) VCF-style: chr2-179454782-T-C.
Other names: c.56747A>G, p.His18916Arg (NM_001256850.1); c.34475A>G, p.His11492Arg (NM_003319.4); c.53966A>G, p.His17989Arg (NM_133378.4); c.34850A>G, p.His11617Arg (NM_133432.3); c.35051A>G, p.His11684Arg (NM_133437.4); short protein forms H20557R, H11617R, H17989R, H18916R, H11492R, H11684R.
Identifiers: ClinVar variation 535658 (VCV000535658.6), dbSNP rs1472565206, ClinGen allele CA349470323.

ClinVar aggregate classification (germline): Uncertain significance. Review status: criteria provided, multiple submitters, no conflicts (2 of 4 stars). 3 submissions from 3 submitters: Uncertain significance (3). Last evaluated 2021-10-29.

Conditions:
Cardiovascular phenotype. Identifiers: MedGen CN230736.
Autosomal recessive limb-girdle muscular dystrophy type 2J (LGMDR10). Also called: Limb-girdle muscular dystrophy, type 2J; MUSCULAR DYSTROPHY, LIMB-GIRDLE, AUTOSOMAL RECESSIVE 10. Identifiers: Orphanet 140922, MedGen C1837342, MONDO:0012127, OMIM 608807.
Dilated cardiomyopathy 1G (CMD1G). Identifiers: Orphanet 154, MedGen C1858763, MONDO:0011400, OMIM 604145.
Hypertrophic cardiomyopathy 9. Also called: Familial hypertrophic cardiomyopathy 9. Identifiers: MedGen C1861065, MONDO:0013412, OMIM 613765.
Tibial muscular dystrophy (TMD). Also called: UDD MYOPATHY; Udd Distal Myopathy – Tibial Muscular Dystrophy; Tibial muscular dystrophy, tardive. Identifiers: Orphanet 609, MedGen C1838244, MONDO:0010870, OMIM 600334.
Early-onset myopathy with fatal cardiomyopathy (CMYO5). Also called: CONGENITAL MYOPATHY 5 WITH CARDIOMYOPATHY; Salih Myopathy. Identifiers: Orphanet 289377, MedGen C2673677, MONDO:0012714, OMIM 611705. Disease mechanism: loss of function.
Myopathy, myofibrillar, 9, with early respiratory failure (MFM9). Also called: EDSTROM MYOPATHY; MYOPATHY, PROXIMAL, WITH EARLY RESPIRATORY MUSCLE INVOLVEMENT; Hereditary myopathy with early respiratory failure; Myopathy, distal, with early respiratory failure, autosomal dominant. Identifiers: Orphanet 178464, Orphanet 34521, MedGen C1863599, MONDO:0011362, OMIM 603689.

Allele frequency attached by ClinVar (database versions not stated): gnomAD exomes below 0.00001; TOPMed below 0.00001.
gnomAD v4.1: 2 of 1,613,178 alleles (0.00012%); highest among the groups gnomAD compares: African/African-American, 0.0013%; no homozygotes.

Submissions (3):

Fulgent Genetics
Classification: Uncertain significance for Tibial muscular dystrophy; Myopathy, myofibrillar, 9, with early respiratory failure; Dilated cardiomyopathy 1G; Autosomal recessive limb-girdle muscular dystrophy type 2J; Early-onset myopathy with fatal cardiomyopathy; Hypertrophic cardiomyopathy 9. Last evaluated: 2021-10-29. Review status: criteria provided, single submitter. Criteria: ACMG Guidelines, 2015. Collection method: clinical testing. Allele origin: unknown.

Ambry Genetics
Classification: Uncertain significance for Cardiovascular phenotype. Last evaluated: 2017-12-26. Review status: criteria provided, single submitter. Criteria: Ambry Variant Classification Scheme 2023. Collection method: clinical testing. Allele origin: germline.
Comment: The p.H11492R variant (also known as c.34475A>G), located in coding exon 131 of the TTN gene, results from an A to G substitution at nucleotide position 34475. The histidine at codon 11492 is replaced by arginine, an amino acid with highly similar properties. This amino acid position is not well conserved in available vertebrate species. In addition, this alteration is predicted to be tolerated by in silico analysis. Since supporting evidence is limited at this time, the clinical significance of this alteration remains unclear.

Labcorp Genetics (formerly Invitae), Labcorp
Classification: Uncertain significance for Dilated cardiomyopathy 1G; Autosomal recessive limb-girdle muscular dystrophy type 2J. Last evaluated: 2017-10-24. Review status: criteria provided, single submitter. Criteria: Invitae Variant Classification Sherloc (09022015). Collection method: clinical testing. Allele origin: germline.